The following is an entry in ClinVar:

ClinVar aggregate classification (germline): Pathogenic (1 of 4 stars; one submission).

Conditions:
DYRK1A-related intellectual disability syndrome (MRD7). Also called: DYRK1A Syndrome; Intellectual developmental disorder, autosomal dominant 7. Identifiers: Orphanet 464306, MedGen C5568143, MONDO:0013578, OMIM 614104.

Submission:

HUSP Clinical Genetics Laboratory, Hospital Universitario San Pedro De Logroño (HUSP)
Classification: Pathogenic for DYRK1A-related intellectual disability syndrome. Review status: criteria provided, single submitter. Criteria: ACMG Guidelines, 2015. Collection method: clinical testing. Allele origin: de novo. Inheritance: Autosomal dominant inheritance. Affected: yes. Observed: 1 variant allele.
Comment: It results in a frameshift, a premature termination codon and, therefore, a truncated protein (p.Lys407GlufsTer16). This variant is not detected in general population and has not been reported in pathogenic data bases. The loss of function of the protein predicted by in silico tools added to de-novo origin made us labeled the variant as pathogenic. Pathogenic variants in DYRK1A have been associated with Intellectual developmental disorder autosomal dominant 7 (OMIM: 614104). This clinical entity is characterized by severe primary microcephaly, intellectual disability with delay in language acquisition or absence of the same, febrile epipeptic seizures, intrauterine growth retardation, feeding difficulties at early childhood and behavioral problems. Some dysmorphic features are observed including micrognathia, thick lower lip, mild hypotelorism and hypoplastic earlobes. The inheritance pattern is autosomal dominant.

NM_001347721.2(DYRK1A):c.1190dup (p.Lys398fs)

Gene: DYRK1A (dual specificity tyrosine phosphorylation regulated kinase 1A; plus strand). Cytogenetic location: 21q22.13.
Variant type: Duplication.
Coding change: c.1190dup on transcript NM_001347721.2 (MANE Select); coding-DNA position 1190, one base duplicated (A; older notation c.1190dupA).
Protein change: p.Lys398fs; shifts the reading frame from lysine 398.
Molecular consequence: frameshift variant.
Genome position (GRCh38, 1-based): chr21:37,496,236, A duplicated; the last of 3 consecutive A bases (chr21:37,496,234-37,496,236); duplicating any one gives the same sequence. VCF-style (leftmost placement, unchanged base first): chr21-37496233-T-TA. GRCh37 (hg19) VCF-style: chr21-38868535-T-TA.
Other names: c.1190dup, p.Lys398fs (NM_001347722.2, NM_130436.2); c.1103dup, p.Lys369fs (NM_001347723.2); c.1217dup, p.Lys407fs (NM_001396.5, NM_101395.2, NM_130438.2); short protein forms K369fs, K398fs, K407fs.
Identifiers: ClinVar variation 3237185 (VCV003237185.1), dbSNP rs2518048433.